The following is an entry in ClinVar:

ClinVar aggregate classification (germline): Uncertain significance (1 of 4 stars; one submission).

gnomAD v4.1: 45 of 1,614,126 alleles (0.0028%); highest among the groups gnomAD compares: South Asian, 0.0066%; no homozygotes.

Submission:

Labcorp Genetics (formerly Invitae), Labcorp
Classification: Uncertain significance. Last evaluated: 2022-07-19. Review status: criteria provided, single submitter. Criteria: Invitae Variant Classification Sherloc (09022015). Collection method: clinical testing. Allele origin: germline.
Comment: This sequence change replaces arginine, which is basic and polar, with glutamine, which is neutral and polar, at codon 538 of the NDUFS1 protein (p.Arg538Gln). This variant is present in population databases (rs768062085, gnomAD 0.01%). This variant has not been reported in the literature in individuals affected with NDUFS1-related conditions. ClinVar contains an entry for this variant (Variation ID: 1494761). Algorithms developed to predict the effect of missense changes on protein structure and function (SIFT, PolyPhen-2, Align-GVGD) all suggest that this variant is likely to be tolerated. In summary, the available evidence is currently insufficient to determine the role of this variant in disease. Therefore, it has been classified as a Variant of Uncertain Significance.

NM_005006.7(NDUFS1):c.1613G>A (p.Arg538Gln)

Gene: NDUFS1 (NADH:ubiquinone oxidoreductase core subunit S1; minus strand). Cytogenetic location: 2q33.3.
Variant type: single nucleotide variant.
Coding change: c.1613G>A on transcript NM_005006.7 (MANE Select); coding-DNA position 1613, G replaced by A.
Protein change: p.Arg538Gln; replaces arginine 538 with glutamine.
Molecular consequence: missense variant.
Genome position (GRCh38, 1-based): chr2:206,130,183, C>T on the plus strand (G>A on the coding strand, the complement: NDUFS1 is on the minus strand). VCF-style: chr2-206130183-C-T. GRCh37 (hg19) VCF-style: chr2-206994907-C-T.
Other names: c.1505G>A, p.Arg502Gln (NM_001199981.2); c.1280G>A, p.Arg427Gln (NM_001199982.2); c.1442G>A, p.Arg481Gln (NM_001199983.2); c.1655G>A, p.Arg552Gln (NM_001199984.2); short protein forms R538Q, R552Q, R427Q, R481Q, R502Q.
Identifiers: ClinVar variation 1494761 (VCV001494761.6), dbSNP rs768062085, ClinGen allele CA2070388.
Genomic context (GRCh38, chr2:206,130,183, plus strand): 5'-TGTCGTGTGATACAACCTCCATCTGCTCCCAGGAGAAACAGCACCTTGGGAGGGTTCTTC[C>T]GAATTGCTTCCACCCCAGGCTTATAGCCAAGGTCCAAAGCAGCTACTTGACTTGCAATCC-3'
Protein context (NP_004997.4, residues 528-548): LGYKPGVEAI[Arg538Gln]KNPPKVLFLL